The following is an entry in ClinVar:

NM_199420.4(POLQ):c.2726G>C (p.Cys909Ser)

Gene: POLQ (DNA polymerase theta; minus strand). Cytogenetic location: 3q13.33.
Variant type: single nucleotide variant.
Coding change: c.2726G>C on transcript NM_199420.4 (MANE Select); coding-DNA position 2726, G replaced by C.
Protein change: p.Cys909Ser; replaces cysteine 909 with serine.
Molecular consequence: missense variant.
Genome position (GRCh38, 1-based): chr3:121,490,205, C>G on the plus strand (G>C on the coding strand, the complement: POLQ is on the minus strand). VCF-style: chr3-121490205-C-G. GRCh37 (hg19) VCF-style: chr3-121209052-C-G.
Other names: short protein forms C909S.
Identifiers: ClinVar variation 2625868 (VCV002625868.2), dbSNP rs923952636, ClinGen allele CA354104940.

ClinVar aggregate classification (germline): Uncertain significance (1 of 4 stars; one submission).

Submission:

Ambry Genetics
Classification: Uncertain significance. Last evaluated: 2023-08-31. Review status: criteria provided, single submitter. Criteria: Ambry Variant Classification Scheme 2023. Collection method: clinical testing. Allele origin: germline.
Comment: The p.C909S variant (also known as c.2726G>C), located in coding exon 16 of the POLQ gene, results from a G to C substitution at nucleotide position 2726. The cysteine at codon 909 is replaced by serine, an amino acid with dissimilar properties. This amino acid position is conserved. In addition, this alteration is predicted to be tolerated by in silico analysis. Since supporting evidence is limited at this time, the clinical significance of this alteration remains unclear.